The following is an entry in ClinVar:

ClinVar aggregate classification (germline): Likely benign (1 of 4 stars; one submission).

Allele frequency attached by ClinVar (database versions not stated): 1000 Genomes Project 30x 0.00016; 1000 Genomes Project 0.00020; TOPMed 0.00033; ExAC 0.00043; gnomAD 0.00046; gnomAD exomes 0.00050; ESP Exome Variant Server 0.00077.
gnomAD v4.1: 810 of 1,613,596 alleles (0.05%); highest among the groups gnomAD compares: Non-Finnish European, 0.063%; 1 homozygote.

Submission:

CeGaT Center for Human Genetics Tuebingen
Classification: Likely benign. Last evaluated: 2022-10-01. Review status: criteria provided, single submitter. Criteria: CeGaT Center For Human Genetics Tuebingen Variant Classification Criteria Version 2. Collection method: clinical testing. Allele origin: germline. Affected: yes. Observed: 1 variant allele.
Comment: ACSL1: BP4, BP7

NM_001995.5(ACSL1):c.132C>T (p.Tyr44=)

Gene: ACSL1 (acyl-CoA synthetase long chain family member 1; minus strand). Cytogenetic location: 4q35.1.
Variant type: single nucleotide variant.
Coding change: c.132C>T on transcript NM_001995.5 (MANE Select); coding-DNA position 132, C replaced by T.
Protein change: p.Tyr44=; no amino-acid change (tyrosine 44 retained).
Molecular consequence: synonymous variant. On other transcripts: 5 prime UTR variant (2), non-coding transcript variant (5), intron variant (1).
Genome position (GRCh38, 1-based): chr4:184,803,383, G>A on the plus strand (C>T on the coding strand, the complement: ACSL1 is on the minus strand). VCF-style: chr4-184803383-G-A. GRCh37 (hg19) VCF-style: chr4-185724537-G-A.
Other names: c.132C>T, p.Tyr44= (NM_001286711.2, NM_001381877.1, NM_001381878.1 and 12 more transcripts); c.-125C>T (NM_001381888.1, NM_001381889.1); c.3+2057C>T (NM_001381890.1).
Identifiers: ClinVar variation 2655208 (VCV002655208.24), dbSNP rs145248794, ClinGen allele CA3156016.
Genomic context (GRCh38, chr4:184,803,383, plus strand): 5'-CACTTCCACTGACTGCATGGAGAGGTCGCATGGCGGCTTCAGGGGTTTGGGTCTCGTGGC[G>A]TACCAGAAGGTGGTGAGTGCTGCAAAAGCTCCGAAGCCCATAAGCGTGTTGGTCGGAAGA-3'
Protein context (NP_001986.2, residues 34-54): GAFAALTTFW[Tyr44=]ATRPKPLKPP